The following is an entry in ClinVar:

ClinVar aggregate classification (germline): Likely pathogenic (1 of 4 stars; one submission).

Conditions:
Sudden cardiac failure, infantile (SCFI). Identifiers: MedGen C4310664, MONDO:0014973, OMIM 617222.

gnomAD v4.1: 5 of 1,595,734 alleles (0.00031%); highest among the groups gnomAD compares: Non-Finnish European, 0.00043%; no homozygotes.

Submission:

Rady Children's Institute for Genomic Medicine, Rady Children's Hospital San Diego
Classification: Likely pathogenic for Sudden cardiac failure, infantile. Last evaluated: 2020-04-10. Review status: criteria provided, single submitter. Criteria: ACMG Guidelines, 2015. Collection method: clinical testing. Allele origin: maternal. Inheritance: Autosomal recessive inheritance. Affected: yes.
Comment: This variant has not been previously reported or functionally characterized in the literature to our knowledge. It is absent from the gnomAD population database and thus is presumed to be rare. The c.442A>T (p.Thr148Ser) variant affects a highly conserved amino acid and is predicted by multiple in silico tools to have a deleterious effect on protein function. It was found in trans with a pathogenic variant in PPA2. Based on the available evidence, the c.442A>T (p.Thr148Ser) variant is classified as Likely Pathogenic.

NM_176869.3(PPA2):c.442A>T (p.Thr148Ser)

Gene: PPA2 (inorganic pyrophosphatase 2; minus strand). Cytogenetic location: 4q24.
Variant type: single nucleotide variant.
Coding change: c.442A>T on transcript NM_176869.3 (MANE Select); coding-DNA position 442, A replaced by T.
Protein change: p.Thr148Ser; replaces threonine 148 with serine.
Molecular consequence: missense variant. On other transcripts: intron variant (3).
Genome position (GRCh38, 1-based): chr4:105,438,036, T>A on the plus strand (A>T on the coding strand, the complement: PPA2 is on the minus strand). VCF-style: chr4-105438036-T-A. GRCh37 (hg19) VCF-style: chr4-106359193-T-A.
Other names: c.157+35858A>T (NM_176867.3); c.223-13714A>T (NM_176866.2); c.441+8347A>T (NM_006903.4); short protein forms T148S.
Identifiers: ClinVar variation 873541 (VCV000873541.2), dbSNP rs1187924642, ClinGen allele CA357799771.